The following is an entry in ClinVar:

ClinVar aggregate classification (germline): Benign (1 of 4 stars; one submission).

Conditions:
Pyridoxine-dependent epilepsy (EPEO4). Also called: PYRIDOXINE DEPENDENCY WITH SEIZURES; Pyridoxine-Dependent Epilepsy - ALDH7A1; EPILEPSY, EARLY-ONSET, 4, VITAMIN B6-DEPENDENT; Pyridoxine-Dependent Seizures. Identifiers: Orphanet 3006, MedGen C1849508, MONDO:0009945, OMIM 266100. Disease mechanism: loss of function.

Allele frequency attached by ClinVar (database versions not stated): 1000 Genomes Project 0.00799; 1000 Genomes Project 30x 0.00953; TOPMed 0.00807; gnomAD 0.00733 and 0.00797.

Submission:

Illumina Laboratory Services, Illumina
Classification: Benign for Pyridoxine-dependent epilepsy. Last evaluated: 2018-01-13. Review status: criteria provided, single submitter. Criteria: ICSL Variant Classification Criteria 13 December 2019. Collection method: clinical testing. Allele origin: germline.
Comment: This variant was observed in the ICSL laboratory as part of a predisposition screen in an ostensibly healthy population. It had not been previously curated by ICSL or reported in the Human Gene Mutation Database (HGMD: prior to June 1st, 2018), and was therefore a candidate for classification through an automated scoring system. Utilizing variant allele frequency, disease prevalence and penetrance estimates, and inheritance mode, an automated score was calculated to assess if this variant is too frequent to cause the disease. Based on the score and internal cut-off values, a variant classified as benign is not then subjected to further curation. The score for this variant resulted in a classification of benign for this disease.

NM_001182.5(ALDH7A1):c.*1446G>A

Gene: ALDH7A1 (aldehyde dehydrogenase 7 family member A1; minus strand). Cytogenetic location: 5q23.2.
Variant type: single nucleotide variant.
Coding change: c.*1446G>A on transcript NM_001182.5 (MANE Select); 1446 bases downstream of the stop codon, G replaced by A.
Molecular consequence: 3 prime UTR variant.
Genome position (GRCh38, 1-based): chr5:126,543,519, C>T on the plus strand (G>A on the coding strand, the complement: ALDH7A1 is on the minus strand). VCF-style: chr5-126543519-C-T. GRCh37 (hg19) VCF-style: chr5-125879211-C-T.
Other names: c.*1446G>A (NM_001201377.2, NM_001202404.2).
Identifiers: ClinVar variation 903674 (VCV000903674.4), dbSNP rs114580465, ClinGen allele CA15376842.